The following is an entry in ClinVar:

ClinVar aggregate classification (germline): Pathogenic (1 of 4 stars; one submission).

Submission:

GeneDx
Classification: Pathogenic. Last evaluated: 2014-08-04. Review status: criteria provided, single submitter. Criteria: GeneDx Variant Classification (06012015). Collection method: clinical testing. Allele origin: germline. Affected: yes.
Comment: p.Gln1321Stop (CAG>TAG): c.3961 C>T in exon 23 of the DSP gene (NM_004415.2). The Q1321X mutation in the DSP gene has not been reported as a disease-causing mutation or as a benign polymorphism to our knowledge. Q1321X is predicted to cause loss of normal protein function either by protein truncation or nonsense-mediated mRNA decay. The Q1321X mutation was not observed in approximately 6,500 individuals of European and African American ancestry in the NHLBI Exome Sequencing Project, indicating it is not a common benign variant in these populations. Furthermore, other nonsense mutations in the DSP gene have been reported in association with ARVC. In summary, Q1321X in the DSP gene is interpreted as a disease-causing mutation. The variant is found in CARDIOMYOPATHY panel(s).

NM_004415.4(DSP):c.3961C>T (p.Gln1321Ter)

Gene: DSP (desmoplakin; plus strand). Cytogenetic location: 6p24.3.
Variant type: single nucleotide variant.
Coding change: c.3961C>T on transcript NM_004415.4 (MANE Select); coding-DNA position 3961, C replaced by T.
Protein change: p.Gln1321Ter; replaces glutamine 1321 with a stop codon.
Molecular consequence: nonsense. On other transcripts: intron variant (1).
Genome position (GRCh38, 1-based): chr6:7,580,151, C>T. VCF-style: chr6-7580151-C-T. GRCh37 (hg19) VCF-style: chr6-7580384-C-T.
Other names: p.Q1321X:CAG>TAG; c.3961C>T, p.Gln1321Ter (NM_001319034.2); c.3582+379C>T (NM_001008844.3); c.3961C>T (LRG_423t1); short protein forms Q1321*.
Identifiers: ClinVar variation 199876 (VCV000199876.2), dbSNP rs794728119, ClinGen allele CA004306.